The following is an entry in ClinVar:

ClinVar aggregate classification (germline): Benign. Review status: criteria provided, multiple submitters, no conflicts (2 of 4 stars). 3 submissions from 3 submitters: Benign (3). Last evaluated 2023-10-01.

Conditions:
Occult macular dystrophy (OCMD). Also called: OMD; OCCULT MACULAR DYSTROPHY, SUSCEPTIBILITY TO. Identifiers: Orphanet 247834, MedGen C3150833, MONDO:0013316, OMIM 613587, HP:0030636.
Retinal dystrophy. Also called: Inherited retinal dystrophy. Identifiers: Orphanet 71862, MedGen C0854723, MeSH D058499, MONDO:0019118, HP:0000556.

Allele frequency attached by ClinVar (database versions not stated): ESP Exome Variant Server 0.11860; gnomAD 0.12093 and 0.13108; TOPMed 0.12263; 1000 Genomes Project 30x 0.17161; 1000 Genomes Project 0.17632; gnomAD exomes 0.17881; ExAC 0.18064.
gnomAD v4.1: 245,733 of 1,609,712 alleles (15%); highest among the groups gnomAD compares: South Asian, 38%; 22,272 homozygotes.

Submissions (3):

Dept Of Ophthalmology, Nagoya University
Classification: Benign for Retinal dystrophy. Last evaluated: 2023-10-01. Review status: criteria provided, single submitter. Criteria: Submitter's publication. Collection method: research. Allele origin: germline. Affected: yes.

Illumina Laboratory Services, Illumina
Classification: Benign for Occult macular dystrophy. Last evaluated: 2018-01-13. Review status: criteria provided, single submitter. Criteria: ICSL Variant Classification Criteria 13 December 2019. Collection method: clinical testing. Allele origin: germline.
Comment: This variant was observed in the ICSL laboratory as part of a predisposition screen in an ostensibly healthy population. It had not been previously curated by ICSL or reported in the Human Gene Mutation Database (HGMD: prior to June 1st, 2018), and was therefore a candidate for classification through an automated scoring system. Utilizing variant allele frequency, disease prevalence and penetrance estimates, and inheritance mode, an automated score was calculated to assess if this variant is too frequent to cause the disease. Based on the score and internal cut-off values, a variant classified as benign is not then subjected to further curation. The score for this variant resulted in a classification of benign for this disease.

Breakthrough Genomics
Classification: Benign. Review status: criteria provided, single submitter. Criteria: ACMG Guidelines, 2015. Collection method: not provided. Allele origin: germline. Inheritance: Autosomal recessive inheritance. Affected: yes.

NM_178857.6(RP1L1):c.4448C>T (p.Ala1483Val)

Gene: RP1L1 (RP1 like 1). Cytogenetic location: 8p23.1.
Variant type: single nucleotide variant.
Coding change: c.4448C>T on transcript NM_178857.6 (MANE Select); coding-DNA position 4448, C replaced by T.
Protein change: p.Ala1483Val; replaces alanine 1483 with valine.
Molecular consequence: missense variant.
Genome position (GRCh38, 1-based): chr8:10,609,650, G>A on the plus strand (C>T on the coding strand, the complement: RP1L1 is on the minus strand). VCF-style: chr8-10609650-G-A. GRCh37 (hg19) VCF-style: chr8-10467160-G-A.
Other names: short protein forms A1483V.
Identifiers: ClinVar variation 361279 (VCV000361279.7), dbSNP rs62490855, ClinGen allele CA4624021.
Genomic context (GRCh38, chr8:10,609,650, plus strand): 5'-CTCCTCTCTGCAGCCCCCTGGGTGGGTTGGGCCTGCGTGTGCTCTTGGCCCATCATGGTG[G>A]CTCCGGGCGGCTTTTCCAAACCAGGCTCAAGCTGGGAGCCACTCTGCCTCTCGCTGGCAC-3'
Protein context (NP_849188.4, residues 1473-1493): LEPGLEKPPG[Ala1483Val]TMMGQEHTQA